The following is an entry in ClinVar:

ClinVar aggregate classification (germline): Uncertain significance (0 of 4 stars; one submission).

Conditions:
CC2D2A-related disorder. Also called: CC2D2A-related disorders; CC2D2A-related condition. Identifiers: MedGen CN239313.

gnomAD v4.1: 2 of 1,609,710 alleles (0.00012%); highest among the groups gnomAD compares: African/African-American, 0.0027%; no homozygotes.

Submission:

PreventionGenetics, part of Exact Sciences
Classification: Uncertain significance for CC2D2A-related condition. Last evaluated: 2024-03-05. Review status: no assertion criteria provided. Collection method: clinical testing. Allele origin: germline.
Comment: The CC2D2A c.4780G>C variant is predicted to result in the amino acid substitution p.Ala1594Pro. To our knowledge, this variant has not been reported in the literature or in a large population database, indicating this variant is rare. At this time, the clinical significance of this variant is uncertain due to the absence of conclusive functional and genetic evidence.

NM_001378615.1(CC2D2A):c.4780G>C (p.Ala1594Pro)

Genes: CC2D2A (coiled-coil and C2 domain containing 2A; plus strand), FBXL5 (F-box and leucine rich repeat protein 5; minus strand). Cytogenetic location: 4p15.32.
Variant type: single nucleotide variant.
Coding change: c.4780G>C on transcript NM_001378615.1 (MANE Select); coding-DNA position 4780, G replaced by C.
Protein change: p.Ala1594Pro; replaces alanine 1594 with proline.
Molecular consequence: missense variant.
Genome position (GRCh38, 1-based): chr4:15,601,342, G>C. VCF-style: chr4-15601342-G-C. GRCh37 (hg19) VCF-style: chr4-15602965-G-C.
Other names: c.4780G>C, p.Ala1594Pro (NM_001080522.2); c.4633G>C, p.Ala1545Pro (NM_001378617.1); short protein forms A1545P, A1594P.
Identifiers: ClinVar variation 3348017 (VCV003348017.1).